The following is an entry in ClinVar:

NM_005751.5(AKAP9):c.7773A>C (p.Gln2591His)

Gene: AKAP9 (A-kinase anchoring protein 9; plus strand). Cytogenetic location: 7q21.2.
Variant type: single nucleotide variant.
Coding change: c.7773A>C on transcript NM_005751.5 (MANE Select); coding-DNA position 7773, A replaced by C.
Protein change: p.Gln2591His; replaces glutamine 2591 with histidine.
Molecular consequence: missense variant.
Genome position (GRCh38, 1-based): chr7:92,079,906, A>C. VCF-style: chr7-92079906-A-C. GRCh37 (hg19) VCF-style: chr7-91709220-A-C.
Other names: c.2418A>C, p.Gln806His (NM_001379277.1); c.7749A>C, p.Gln2583His (NM_147185.3); short protein forms Q2591H, Q2583H, Q806H.
Identifiers: ClinVar variation 191392 (VCV000191392.15), dbSNP rs553800160, ClinGen allele CA236500.
Genomic context (GRCh38, chr7:92,079,906, plus strand): 5'-TCAAGATAATCAAACAATTTCATCAGAACCTGAAAGAACAAATATTCAGAATTTAAATCA[A>C]CTAAGAGAAGATGAGTTGGGGTCAGATATATCAGCATTAACCTTGAGAATATCAGAATTA-3'
Protein context (NP_005742.4, residues 2581-2601): PERTNIQNLN[Gln2591His]LREDELGSDI

ClinVar aggregate classification (germline): Conflicting classifications of pathogenicity. Review status: criteria provided, conflicting classifications (1 of 4 stars). 4 submissions from 4 submitters: Uncertain significance (1); Benign (1); Likely benign (2). Last evaluated 2025-12-01.

Conditions:
Cardiovascular phenotype. Identifiers: MedGen CN230736.
Long QT syndrome (LQTS). Identifiers: MedGen C0023976, MeSH D008133, MONDO:0002442. Disease mechanism: loss of function. Inheritance: Various modes of inheritance.

Allele frequency attached by ClinVar (database versions not stated): TOPMed 0.00005; gnomAD exomes 0.00040 and 0.00077; gnomAD below 0.00001 and 0.00023; ExAC 0.00086; 1000 Genomes Project 0.00240; 1000 Genomes Project 30x 0.00219.
gnomAD v4.1: 617 of 1,613,832 alleles (0.038%); highest among the groups gnomAD compares: South Asian, 0.64%; 9 homozygotes.

Submissions (4):

Labcorp Genetics (formerly Invitae), Labcorp
Classification: Benign for Long QT syndrome. Last evaluated: 2025-12-01. Review status: criteria provided, single submitter. Criteria: Invitae Variant Classification Sherloc (09022015). Collection method: clinical testing. Allele origin: germline.

Women's Health and Genetics/Laboratory Corporation of America, LabCorp
Classification: Likely benign. Last evaluated: 2025-07-28. Review status: criteria provided, single submitter. Criteria: LabCorp Variant Classification Summary - May 2015. Collection method: clinical testing. Allele origin: germline.

Ambry Genetics
Classification: Likely benign for Cardiovascular phenotype. Last evaluated: 2021-02-01. Review status: criteria provided, single submitter. Criteria: Ambry Variant Classification Scheme 2023. Collection method: clinical testing. Allele origin: germline.

Biesecker Lab/Clinical Genomics Section, National Institutes of Health
Classification: Uncertain significance. Last evaluated: 2013-06-24. Review status: criteria provided, single submitter. Criteria: Ng et al. (Circ Cardiovasc Genet. 2013). Collection method: research. Allele origin: unknown. Observed: 1 variant allele. Study: ClinSeq.
Comment: The study set was not selected for affection status in relation to any cancer. Pathogenicity categories were based on literature curation. See Pubmed ID:23861362 for details.

Medical sequencing